The following is an entry in ClinVar:

NM_018902.5(PCDHA11):c.98A>G (p.Tyr33Cys)

Genes: PCDHA-AS1 (protocadherin alpha cluster antisense RNA 1; minus strand), PCDHA1 (protocadherin alpha 1; plus strand), PCDHA10 (protocadherin alpha 10; plus strand), PCDHA11 (protocadherin alpha 11; plus strand), PCDHA2 (protocadherin alpha 2; plus strand) and 8 more. Cytogenetic location: 5q31.3.
Variant type: single nucleotide variant.
Coding change: c.98A>G on transcript NM_018902.5 (MANE Select); coding-DNA position 98, A replaced by G.
Protein change: p.Tyr33Cys; replaces tyrosine 33 with cysteine.
Molecular consequence: missense variant. On other transcripts: non-coding transcript variant (1), intron variant (13).
Genome position (GRCh38, 1-based): chr5:140,869,201, A>G. VCF-style: chr5-140869201-A-G. GRCh37 (hg19) VCF-style: chr5-140248786-A-G.
Other names: c.98A>G, p.Tyr33Cys (NM_031861.3); c.2394+80517A>G (NM_018900.4); c.1602+81309A>G (NM_031411.3); c.2388+71849A>G (NM_018905.3); c.2394+65610A>G (NM_018906.3); c.2385+59629A>G (NM_018907.4); c.2352+45074A>G (NM_018908.3); c.2394+38716A>G (NM_018909.4); and 6 more; short protein forms Y33C.
Identifiers: ClinVar variation 2655789 (VCV002655789.24), dbSNP rs202010088, ClinGen allele CA3451682.

ClinVar aggregate classification (germline): Likely benign (1 of 4 stars; one submission).

Allele frequency attached by ClinVar (database versions not stated): 1000 Genomes Project 0.00020; 1000 Genomes Project 30x 0.00031; gnomAD exomes 0.00119; ESP Exome Variant Server 0.00131; gnomAD 0.00161; TOPMed 0.00161; ExAC 0.00187.
gnomAD v4.1: 2,112 of 1,612,868 alleles (0.13%); highest among the groups gnomAD compares: Admixed American, 0.16%; 36 homozygotes.

Submission:

CeGaT Center for Human Genetics Tuebingen
Classification: Likely benign. Last evaluated: 2022-09-01. Review status: criteria provided, single submitter. Criteria: CeGaT Center For Human Genetics Tuebingen Variant Classification Criteria Version 2. Collection method: clinical testing. Allele origin: germline. Affected: yes. Observed: 1 variant allele.
Comment: PCDHA11: PP3, BS2